The following is an entry in ClinVar:

ClinVar aggregate classification (germline): Uncertain significance (1 of 4 stars; one submission).

Submission:

Labcorp Genetics (formerly Invitae), Labcorp
Classification: Uncertain significance. Last evaluated: 2022-07-05. Review status: criteria provided, single submitter. Criteria: Invitae Variant Classification Sherloc (09022015). Collection method: clinical testing. Allele origin: germline.
Comment: In summary, the available evidence is currently insufficient to determine the role of this variant in disease. Therefore, it has been classified as a Variant of Uncertain Significance. Algorithms developed to predict the effect of missense changes on protein structure and function output the following: SIFT: "Not Available"; PolyPhen-2: "Benign"; Align-GVGD: "Not Available". The serine amino acid residue is found in multiple mammalian species, which suggests that this missense change does not adversely affect protein function. This variant has not been reported in the literature in individuals affected with PISD-related conditions. This variant is not present in population databases (gnomAD no frequency). This sequence change replaces threonine, which is neutral and polar, with serine, which is neutral and polar, at codon 358 of the PISD protein (p.Thr358Ser).

NM_001326411.2(PISD):c.1073C>G (p.Thr358Ser)

Gene: PISD (phosphatidylserine decarboxylase; minus strand). Cytogenetic location: 22q12.2.
Variant type: single nucleotide variant.
Coding change: c.1073C>G on transcript NM_001326411.2 (MANE Select); coding-DNA position 1073, C replaced by G.
Protein change: p.Thr358Ser; replaces threonine 358 with serine.
Molecular consequence: missense variant. On other transcripts: 3 prime UTR variant (1).
Genome position (GRCh38, 1-based): chr22:31,619,769, G>C on the plus strand (C>G on the coding strand, the complement: PISD is on the minus strand). VCF-style: chr22-31619769-G-C. GRCh37 (hg19) VCF-style: chr22-32015755-G-C.
Other names: c.1010C>G, p.Thr337Ser (NM_001326412.1, NM_001326413.2, NM_001326414.2); c.971C>G, p.Thr324Ser (NM_001326415.2, NM_001326416.2, NM_001326417.2 and 2 more transcripts); c.893C>G, p.Thr298Ser (NM_001326418.2); c.857C>G, p.Thr286Ser (NM_001326419.2); c.779C>G, p.Thr260Ser (NM_001326420.2); c.*21C>G (NM_001326421.1); short protein forms T260S, T324S, T286S, T298S, T337S, T358S.
Identifiers: ClinVar variation 2068489 (VCV002068489.4), dbSNP rs2523123171, ClinGen allele CA411284824.